The following is an entry in ClinVar:

ClinVar aggregate classification (germline): Conflicting classifications of pathogenicity. Review status: criteria provided, conflicting classifications (1 of 4 stars). 6 submissions from 6 submitters: Pathogenic (1); Likely pathogenic (3); Uncertain significance (1). 1 of the submissions does not count toward it. Last evaluated 2026-02-13.

Conditions:
Glycosylphosphatidylinositol biosynthesis defect 16. Also called: MENTAL RETARDATION, AUTOSOMAL RECESSIVE 62. Identifiers: MedGen C4540521, MONDO:0040500, OMIM 617816.

Allele frequency attached by ClinVar (database versions not stated): ESP Exome Variant Server 0.00046; gnomAD exomes 0.00007; ExAC 0.00013; TOPMed 0.00027; 1000 Genomes Project 0.00080; 1000 Genomes Project 30x 0.00109; gnomAD 0.00031.
gnomAD v4.1: 117 of 1,613,960 alleles (0.0072%); highest among the groups gnomAD compares: African/African-American, 0.1%; no homozygotes.

Submissions (6):

OLLIN Analises Genomicas, OLLIN
Classification: Likely pathogenic for Glycosylphosphatidylinositol biosynthesis defect 16. Last evaluated: 2026-02-13. Review status: criteria provided, single submitter. Criteria: ACMG Guidelines 2015 PMID 25741868. Collection method: clinical testing. Allele origin: germline. Observed: 1 variant allele.
Comment: PVS1_M, PS3_P, PM3, PM2_P, PP1

Dasa
Classification: Pathogenic for Glycosylphosphatidylinositol biosynthesis defect 16. Last evaluated: 2022-04-10. Review status: criteria provided, single submitter. Criteria: ACMG Guidelines, 2015. Collection method: clinical testing. Allele origin: germline. Affected: yes. Observed: 1 variant allele.
Comment: The c.61C>T;p.(Arg21)* variant creates a premature translational stop signal in the PIGC gene. It is expected to result in an absent or disrupted protein product -PVS1_moderate. Well-established in vitro or in vivo functional studies supportive of a damaging effect on the gene or gene product (PMID: 27694521) - PS3_supporting. This sequence change has been observed in affected individual(s) and ClinVar contains an entry for this variant (ClinVar ID: 471153; PMID: 27694521) - PS4. The variant is present at low allele frequencies population databases (rs115209243 – gnomAD 0.0007425%; ABraOM 0.000854 frequency) - PM2_supporting. The p.(Arg21*) was detected in trans with a pathogenic variant (PMID: 27694521) - PM3. The variant co-segregated with disease in multiple affected family members (PMID: 27694521) - PP1. In summary, the currently available evidence indicates that the variant is pathogenic

New York Genome Center
Classification: Likely pathogenic for Glycosylphosphatidylinositol biosynthesis defect 16. Last evaluated: 2020-07-09. Review status: criteria provided, single submitter. Criteria: NYGC Assertion Criteria 2020. Collection method: clinical testing. Allele origin: paternal. Inheritance: Autosomal recessive inheritance. Observed: 1 heterozygote. Study: CSER-NYCKidSeq.

SIB Swiss Institute of Bioinformatics
Classification: Likely pathogenic for Glycosylphosphatidylinositol biosynthesis defect 16. Last evaluated: 2018-10-15. Review status: criteria provided, single submitter. Criteria: ACMG Guidelines, 2015. Collection method: curation. Allele origin: unknown.
Comment: This variant is interpreted as Likely Pathogenic, for Glycosylphosphatidylinositol biosynthesis defect 16, autosomal recessive. The following ACMG Tag(s) were applied: PVS1-Moderate => PVS1 downgraded in strength to Moderate. PS3-Moderate => PS3 downgraded in strength to Moderate (PubMed 27694521). PM2 => Recessive disease and allele present at low frequency in Exome Sequencing Project, 1000 Genomes Project, or Exome Aggregation Consortium.

Eurofins Ntd Llc (ga)
Classification: Uncertain significance. Last evaluated: 2017-09-11. Review status: criteria provided, single submitter. Criteria: EGL Classification Definitions 2015. Collection method: clinical testing. Allele origin: germline. Observed: 1 variant allele, 1 heterozygote.

OMIM
Classification: Pathogenic for GLYCOSYLPHOSPHATIDYLINOSITOL BIOSYNTHESIS DEFECT 16. Last evaluated: 2017-12-21. Review status: no assertion criteria provided. Collection method: literature only. Allele origin: germline. Not counted in ClinVar's aggregate classification.

Literature cited by the submitters: PubMed 27694521 (cited by 3 submitters).

NM_153747.2(PIGC):c.61C>T (p.Arg21Ter)

Genes: PIGC (phosphatidylinositol glycan anchor biosynthesis class C; minus strand), C1orf105 (chromosome 1 open reading frame 105; plus strand). Cytogenetic location: 1q24.3.
Variant type: single nucleotide variant.
Coding change: c.61C>T on transcript NM_153747.2 (MANE Select); coding-DNA position 61, C replaced by T.
Protein change: p.Arg21Ter; replaces arginine 21 with a stop codon.
Molecular consequence: nonsense. On other transcripts: intron variant (1).
Genome position (GRCh38, 1-based): chr1:172,442,562, G>A on the plus strand (C>T on the coding strand, the complement: PIGC is on the minus strand). VCF-style: chr1-172442562-G-A. GRCh37 (hg19) VCF-style: chr1-172411702-G-A.
Other names: c.61C>T, p.Arg21Ter (NM_002642.4); c.22-2511G>A (NM_139240.4); short protein forms R21*.
Identifiers: ClinVar variation 471153 (VCV000471153.10), dbSNP rs115209243, ClinGen allele CA1246037.